The following is an entry in ClinVar:

ClinVar aggregate classification (germline): Conflicting classifications of pathogenicity. Review status: criteria provided, conflicting classifications (1 of 4 stars). 2 submissions from 2 submitters: Uncertain significance (1); Likely benign (1). Last evaluated 2025-01-17.

Conditions:
CHARGE syndrome (CHARGE). Also called: Hittner Hirsch Kreh syndrome; CHARGE ASSOCIATION--COLOBOMA, HEART ANOMALY, CHOANAL ATRESIA, RETARDATION, GENITAL AND EAR ANOMALIES; Coloboma, heart anomaly, choanal atresia, retardation, genital and ear anomalies; CHARGE association; Hall-Hittner syndrome. Identifiers: Orphanet 138, MedGen C0265354, MONDO:0008965.

Submissions (2):

Labcorp Genetics (formerly Invitae), Labcorp
Classification: Uncertain significance for CHARGE syndrome. Last evaluated: 2025-01-17. Review status: criteria provided, single submitter. Criteria: Invitae Variant Classification Sherloc (09022015). Collection method: clinical testing. Allele origin: germline.
Comment: This variant, c.7212_7214del, results in the deletion of 1 amino acid(s) of the CHD7 protein (p.Arg2405del), but otherwise preserves the integrity of the reading frame. The frequency data for this variant in the population databases is considered unreliable, as metrics indicate poor data quality at this position in the gnomAD database. This variant has not been reported in the literature in individuals affected with CHD7-related conditions. ClinVar contains an entry for this variant (Variation ID: 1338288). Experimental studies and prediction algorithms are not available or were not evaluated, and the functional significance of this variant is currently unknown. In summary, the available evidence is currently insufficient to determine the role of this variant in disease. Therefore, it has been classified as a Variant of Uncertain Significance.

Genetic Services Laboratory, University of Chicago
Classification: Likely benign. Last evaluated: 2017-12-04. Review status: criteria provided, single submitter. Criteria: ACMG Guidelines, 2015. Collection method: clinical testing. Allele origin: germline. Affected: no.

NM_017780.4(CHD7):c.7200GAG[4] (p.Arg2405del)

Gene: CHD7 (chromodomain helicase DNA binding protein 7; plus strand). Cytogenetic location: 8q12.2.
Variant type: Microsatellite.
Coding change: c.7200GAG[4] on transcript NM_017780.4 (MANE Select); four copies in a row of the 3-base unit GAG starting at c.7200; the reference has five copies in a row; one copy, 3 bases deleted.
Protein change: p.Arg2405del; deletes arginine 2405.
Molecular consequence: inframe deletion. On other transcripts: intron variant (1).
Genome position (GRCh38, 1-based): chr8:60,856,492-60,856,494, GAG deleted; deleting any 3 consecutive bases within chr8:60,856,479-60,856,494 gives the same sequence; the position shown is the placement nearest the transcript's 3' end. VCF-style (leftmost placement, unchanged base first): chr8-60856478-CGGA-C. GRCh37 (hg19) VCF-style: chr8-61769037-CGGA-C.
Other names: c.1717-5750GGA[4] (NM_001316690.1); short protein forms R2405del.
Identifiers: ClinVar variation 1338288 (VCV001338288.8), dbSNP rs374380640, ClinGen allele CA4760771.
Genomic context (GRCh38, chr8:60,856,478, plus strand): 5'-CTCTGTTCTGTTGGAATTTTTCAATAGGAAGATGCCCTCAACCTCTCTGTCCCTCGCCAG[CGGA>C]GGAGGAGGAGGAGAAAAATCGAAATTGAGGCCGAAAGAGCTGCCAAGAGGCGAAATCTCA-3'